The following is an entry in ClinVar:

NM_032776.3(JMJD1C):c.2155C>T (p.Leu719Phe)

Gene: JMJD1C (jumonji domain containing 1C; minus strand). Cytogenetic location: 10q21.3.
Variant type: single nucleotide variant.
Coding change: c.2155C>T on transcript NM_032776.3 (MANE Select); coding-DNA position 2155, C replaced by T.
Protein change: p.Leu719Phe; replaces leucine 719 with phenylalanine.
Molecular consequence: missense variant. On other transcripts: non-coding transcript variant (1).
Genome position (GRCh38, 1-based): chr10:63,214,012, G>A on the plus strand (C>T on the coding strand, the complement: JMJD1C is on the minus strand). VCF-style: chr10-63214012-G-A. GRCh37 (hg19) VCF-style: chr10-64973772-G-A.
Other names: c.1609C>T, p.Leu537Phe (NM_001282948.2, NM_001318154.2); c.1291C>T, p.Leu431Phe (NM_001318153.2); c.2041C>T, p.Leu681Phe (NM_001322252.2); c.1498C>T, p.Leu500Phe (NM_001322254.2, NM_001322258.2); short protein forms L431F, L500F, L537F, L681F, L719F.
Identifiers: ClinVar variation 2630655 (VCV002630655.1), dbSNP rs2492772037, ClinGen allele CA377046570.

ClinVar aggregate classification (germline): Uncertain significance (1 of 4 stars; one submission).

Conditions:
JMJD1C-related disorder. Also called: JMJD1C-related condition.

Submission:

PreventionGenetics, part of Exact Sciences
Classification: Uncertain significance for JMJD1C-related condition. Last evaluated: 2023-09-05. Review status: criteria provided, single submitter. Criteria: ACMG Guidelines, 2015. Collection method: clinical testing. Allele origin: germline.
Comment: The JMJD1C c.2155C>T variant is predicted to result in the amino acid substitution p.Leu719Phe. To our knowledge, this variant has not been reported in the literature or in a large population database, indicating this variant is rare. At this time, the clinical significance of this variant is uncertain due to the absence of conclusive functional and genetic evidence.